The following is an entry in ClinVar:

ClinVar aggregate classification (germline): Uncertain significance. Review status: criteria provided, multiple submitters, no conflicts (2 of 4 stars). 2 submissions from 2 submitters: Uncertain significance (2). Last evaluated 2023-07-10.

Allele frequency attached by ClinVar (database versions not stated): TOPMed below 0.00001.
gnomAD v4.1: 1 of 1,209,970 alleles (0.000083%); highest among the groups gnomAD compares: Non-Finnish European, 0.00011%; no homozygotes.

Submissions (2):

Labcorp Genetics (formerly Invitae), Labcorp
Classification: Uncertain significance. Last evaluated: 2023-07-10. Review status: criteria provided, single submitter. Criteria: Invitae Variant Classification Sherloc (09022015). Collection method: clinical testing. Allele origin: germline.
Comment: In summary, the available evidence is currently insufficient to determine the role of this variant in disease. Therefore, it has been classified as a Variant of Uncertain Significance. Algorithms developed to predict the effect of missense changes on protein structure and function output the following: SIFT: "Not Available"; PolyPhen-2: "Benign"; Align-GVGD: "Not Available". The serine amino acid residue is found in multiple mammalian species, which suggests that this missense change does not adversely affect protein function. ClinVar contains an entry for this variant (Variation ID: 1364470). This variant has not been reported in the literature in individuals affected with NEXMIF-related conditions. This variant is present in population databases (no rsID available, gnomAD 0.001%). This sequence change replaces glycine, which is neutral and non-polar, with serine, which is neutral and polar, at codon 501 of the NEXMIF protein (p.Gly501Ser).

GeneDx
Classification: Uncertain significance. Last evaluated: 2022-07-26. Review status: criteria provided, single submitter. Criteria: GeneDx Variant Classification Process June 2021. Collection method: clinical testing. Allele origin: germline. Affected: yes.
Comment: In silico analysis supports that this missense variant does not alter protein structure/function; Has not been previously published as pathogenic or benign to our knowledge

NM_001008537.3(NEXMIF):c.1501G>A (p.Gly501Ser)

Gene: NEXMIF (neurite extension and migration factor; minus strand). Cytogenetic location: Xq13.3.
Variant type: single nucleotide variant.
Coding change: c.1501G>A on transcript NM_001008537.3 (MANE Select); coding-DNA position 1501, G replaced by A.
Protein change: p.Gly501Ser; replaces glycine 501 with serine.
Molecular consequence: missense variant.
Genome position (GRCh38, 1-based): chrX:74,743,056, C>T on the plus strand (G>A on the coding strand, the complement: NEXMIF is on the minus strand). VCF-style: chrX-74743056-C-T. GRCh37 (hg19) VCF-style: chrX-73962891-C-T.
Other names: short protein forms G501S.
Identifiers: ClinVar variation 1364470 (VCV001364470.8), dbSNP rs747796062, ClinGen allele CA413670364.